The following is an entry in ClinVar:

ClinVar aggregate classification (germline): Pathogenic (1 of 4 stars; one submission).

Conditions:
Hereditary cancer-predisposing syndrome. Also called: Tumor predisposition; Hereditary Cancer Syndrome; Neoplastic Syndromes, Hereditary; Hereditary neoplastic syndrome. Identifiers: Orphanet 140162, MedGen C0027672, MeSH D009386, MONDO:0015356.

Submission:

Ambry Genetics
Classification: Pathogenic for Hereditary cancer-predisposing syndrome. Last evaluated: 2018-08-28. Review status: criteria provided, single submitter. Criteria: Ambry Variant Classification Scheme 2023. Collection method: clinical testing. Allele origin: germline.
Comment: The p.Y937* pathogenic mutation (also known as c.2811T>G), located in coding exon 4 of the MSH6 gene, results from a T to G substitution at nucleotide position 2811. This changes the amino acid from a tyrosine to a stop codon within coding exon 4. This alteration is expected to result in loss of function by premature protein truncation or nonsense-mediated mRNA decay. As such, this alteration is interpreted as a disease-causing mutation.

NM_000179.3(MSH6):c.2811T>G (p.Tyr937Ter)

Gene: MSH6 (mutS homolog 6; plus strand). Cytogenetic location: 2p16.3.
Variant type: single nucleotide variant.
Coding change: c.2811T>G on transcript NM_000179.3 (MANE Select); coding-DNA position 2811, T replaced by G.
Protein change: p.Tyr937Ter; replaces tyrosine 937 with a stop codon.
Molecular consequence: nonsense.
Genome position (GRCh38, 1-based): chr2:47,800,794, T>G. VCF-style: chr2-47800794-T-G. GRCh37 (hg19) VCF-style: chr2-48027933-T-G.
Other names: c.2421T>G, p.Tyr807Ter (NM_001281492.2); c.1905T>G, p.Tyr635Ter (NM_001281493.2, NM_001281494.2); short protein forms Y635*, Y807*, Y937*.
Identifiers: ClinVar variation 821839 (VCV000821839.4), dbSNP rs1572728785, ClinGen allele CA346755627.